The following is an entry in ClinVar:

ClinVar aggregate classification (germline): Uncertain significance. Review status: criteria provided, multiple submitters, no conflicts (2 of 4 stars). 2 submissions from 2 submitters: Uncertain significance (2). Last evaluated 2025-04-13.

Conditions:
Cohen syndrome (COH1). Also called: Cutis verticis gyrata, retinitis pigmentosa, and sensorineural deafness; PEPPER SYNDROME. Identifiers: Orphanet 193, MedGen C0265223, MONDO:0008999, OMIM 216550.
Inborn genetic diseases. Identifiers: MedGen C0950123, MeSH D030342.

Submissions (2):

Ambry Genetics
Classification: Uncertain significance for Inborn genetic diseases. Last evaluated: 2025-04-13. Review status: criteria provided, single submitter. Criteria: Ambry Variant Classification Scheme 2023. Collection method: clinical testing. Allele origin: germline.

Labcorp Genetics (formerly Invitae), Labcorp
Classification: Uncertain significance for Cohen syndrome. Last evaluated: 2024-04-25. Review status: criteria provided, single submitter. Criteria: Invitae Variant Classification Sherloc (09022015). Collection method: clinical testing. Allele origin: germline.
Comment: This sequence change replaces alanine, which is neutral and non-polar, with aspartic acid, which is acidic and polar, at codon 3191 of the VPS13B protein (p.Ala3191Asp). This variant is not present in population databases (gnomAD no frequency). This variant has not been reported in the literature in individuals affected with VPS13B-related conditions. An algorithm developed to predict the effect of missense changes on protein structure and function (PolyPhen-2) suggests that this variant is likely to be tolerated. In summary, the available evidence is currently insufficient to determine the role of this variant in disease. Therefore, it has been classified as a Variant of Uncertain Significance.

NM_152564.5(VPS13B):c.9497C>A (p.Ala3166Asp)

Gene: VPS13B (vacuolar protein sorting 13 homolog B; plus strand). Cytogenetic location: 8q22.2.
Variant type: single nucleotide variant.
Coding change: c.9497C>A on transcript NM_152564.5 (MANE Select); coding-DNA position 9497, C replaced by A.
Protein change: p.Ala3166Asp; replaces alanine 3166 with aspartic acid.
Molecular consequence: missense variant.
Genome position (GRCh38, 1-based): chr8:99,832,535, C>A. VCF-style: chr8-99832535-C-A. GRCh37 (hg19) VCF-style: chr8-100844763-C-A.
Other names: c.9572C>A (NM_017890.3); c.9572C>A, p.Ala3191Asp (NM_017890.5); short protein forms A3166D, A3191D.
Identifiers: ClinVar variation 3710159 (VCV003710159.3).
Genomic context (GRCh38, chr8:99,832,535, plus strand): 5'-GTCAGTCAGTACTGGATGCATCCCTGCTTCAGAAACAGATCATGCTGGGCTTTTCTCCTG[C>A]CCCAGGTGCTGACAGCTCACAGTGCTGGAGCCTGCCAGCTATAGTTAGACCAGAGTTTCC-3'
Protein context (NP_689777.3, residues 3156-3176): QKQIMLGFSP[Ala3166Asp]PGADSSQCWS